The following is an entry in ClinVar:

NM_006231.4(POLE):c.4841C>T (p.Ala1614Val)

Gene: POLE (DNA polymerase epsilon, catalytic subunit; minus strand). Cytogenetic location: 12q24.33.
Variant type: single nucleotide variant.
Coding change: c.4841C>T on transcript NM_006231.4 (MANE Select); coding-DNA position 4841, C replaced by T.
Protein change: p.Ala1614Val; replaces alanine 1614 with valine.
Molecular consequence: missense variant.
Genome position (GRCh38, 1-based): chr12:132,642,617, G>A on the plus strand (C>T on the coding strand, the complement: POLE is on the minus strand). VCF-style: chr12-132642617-G-A. GRCh37 (hg19) VCF-style: chr12-133219203-G-A.
Other names: c.4841C>T (NM_006231.2); short protein forms A1614V.
Identifiers: ClinVar variation 571467 (VCV000571467.7), dbSNP rs1565937687, ClinGen allele CA387378207.
Genomic context (GRCh38, chr12:132,642,617, plus strand): 5'-CGGATCATGCGCCGGGCTCCATGGCGCTGCCAGTCCAGGACCCCATAGTTGATCTTGTCA[G>A]CCACACAGATAGGCACCAGTGGGAATTCCTCCAAGACAGGAATTTCACTGGCCAGCCTCT-3'
Protein context (NP_006222.2, residues 1604-1624): EEFPLVPICV[Ala1614Val]DKINYGVLDW

ClinVar aggregate classification (germline): Conflicting classifications of pathogenicity. Review status: criteria provided, conflicting classifications (1 of 4 stars). 2 submissions from 2 submitters: Uncertain significance (1); Likely benign (1). Last evaluated 2025-08-14.

Conditions:
Hereditary cancer-predisposing syndrome. Also called: Hereditary neoplastic syndrome; Tumor predisposition; Neoplastic Syndromes, Hereditary; Hereditary Cancer Syndrome. Identifiers: Orphanet 140162, MedGen C0027672, MeSH D009386, MONDO:0015356.

Allele frequency attached by ClinVar (database versions not stated): TOPMed below 0.00001.

Submissions (2):

Labcorp Genetics (formerly Invitae), Labcorp
Classification: Uncertain significance. Last evaluated: 2025-08-14. Review status: criteria provided, single submitter. Criteria: Invitae Variant Classification Sherloc (09022015). Collection method: clinical testing. Allele origin: germline.
Comment: This sequence change replaces alanine, which is neutral and non-polar, with valine, which is neutral and non-polar, at codon 1614 of the POLE protein (p.Ala1614Val). This variant is not present in population databases (gnomAD no frequency). This variant has not been reported in the literature in individuals affected with POLE-related conditions. ClinVar contains an entry for this variant (Variation ID: 571467). Invitae Evidence Modeling of protein sequence and biophysical properties (such as structural, functional, and spatial information, amino acid conservation, physicochemical variation, residue mobility, and thermodynamic stability) indicates that this missense variant is not expected to disrupt POLE protein function with a negative predictive value of 80%. In summary, the available evidence is currently insufficient to determine the role of this variant in disease. Therefore, it has been classified as a Variant of Uncertain Significance.

Ambry Genetics
Classification: Likely benign for Hereditary cancer-predisposing syndrome. Last evaluated: 2025-05-03. Review status: criteria provided, single submitter. Criteria: Ambry Variant Classification Scheme 2023. Collection method: clinical testing. Allele origin: germline.